The following is an entry in ClinVar:

NM_001271696.3(ABCB7):c.587-180G>A

Gene: ABCB7 (ATP binding cassette subfamily B member 7; minus strand). Cytogenetic location: Xq13.3.
Variant type: single nucleotide variant.
Coding change: c.587-180G>A on transcript NM_001271696.3 (MANE Select); 180 bases into the intron before coding-DNA position 587, G replaced by A.
Molecular consequence: intron variant.
Genome position (GRCh38, 1-based): chrX:75,075,810, C>T on the plus strand (G>A on the coding strand, the complement: ABCB7 is on the minus strand). VCF-style: chrX-75075810-C-T. GRCh37 (hg19) VCF-style: chrX-74295645-C-T.
Other names: c.509-180G>A (NM_001271698.3); c.467-180G>A (NM_001271697.3); c.470-180G>A (NM_001271699.3); c.590-180G>A (NM_004299.6).
Identifiers: ClinVar variation 677918 (VCV000677918.1), dbSNP rs5981761, ClinGen allele CA331331103.

ClinVar aggregate classification (germline): Benign (1 of 4 stars; one submission).

Allele frequency attached by ClinVar (database versions not stated): gnomAD 0.11254 and 0.12057; 1000 Genomes Project 0.11868; 1000 Genomes Project 30x 0.12300; TOPMed 0.12718.
gnomAD v4.1: 12,403 of 111,281 alleles (11%); highest among the groups gnomAD compares: African/African-American, 39%; 1,693 homozygotes.

Submission:

GeneDx
Classification: Benign. Last evaluated: 2018-06-16. Review status: criteria provided, single submitter. Criteria: GeneDx Variant Classification (06012015). Collection method: clinical testing. Allele origin: germline. Affected: yes.
Comment: This variant is considered likely benign or benign based on one or more of the following criteria: it is a conservative change, it occurs at a poorly conserved position in the protein, it is predicted to be benign by multiple in silico algorithms, and/or has population frequency not consistent with disease.